The following is an entry in ClinVar:

NM_002016.2(FLG):c.7189C>T (p.Gln2397Ter)

Genes: FLG (filaggrin; minus strand), CCDST (cervical cancer associated DHX9 suppressive transcript; plus strand). Cytogenetic location: 1q21.3.
Variant type: single nucleotide variant.
Coding change: c.7189C>T on transcript NM_002016.2 (MANE Select); coding-DNA position 7189, C replaced by T.
Protein change: p.Gln2397Ter; replaces glutamine 2397 with a stop codon.
Molecular consequence: nonsense.
Genome position (GRCh38, 1-based): chr1:152,307,697, G>A on the plus strand (C>T on the coding strand, the complement: FLG is on the minus strand). VCF-style: chr1-152307697-G-A. GRCh37 (hg19) VCF-style: chr1-152280173-G-A.
Other names: short protein forms Q2397*.
Identifiers: ClinVar variation 225361 (VCV000225361.4), dbSNP rs535289422, ClinGen allele CA1104864.

ClinVar aggregate classification (germline): Pathogenic/Likely pathogenic. Review status: criteria provided, multiple submitters, no conflicts (2 of 4 stars). 3 submissions from 3 submitters: Pathogenic (1); Likely pathogenic (2). Last evaluated 2025-12-29.

Conditions:
Dermatitis, atopic, 2. Identifiers: MedGen C1853965, MONDO:0011596, OMIM 605803.
Ichthyosis vulgaris. Also called: Dominant ichthyosis vulgaris; ICHTHYOSIS SIMPLEX. Identifiers: MedGen C0079584, MONDO:0024304, OMIM 146700.

Allele frequency attached by ClinVar (database versions not stated): TOPMed 0.00001; gnomAD 0.00003; 1000 Genomes Project 30x 0.00016; 1000 Genomes Project 0.00020.
gnomAD v4.1: 14 of 1,613,464 alleles (0.00087%); highest among the groups gnomAD compares: East Asian, 0.031%; no homozygotes.

Submissions (3):

3billion
Classification: Likely pathogenic for Dermatitis, atopic, 2. Last evaluated: 2025-12-29. Review status: criteria provided, single submitter. Criteria: ACMG Guidelines, 2015. Collection method: clinical testing. Allele origin: germline. Affected: yes.
Comment: The variant is observed at an extremely low frequency in the gnomAD v4.1.0 dataset (total allele frequency: <0.001%). Predicted Consequence/Location: Stop-gained (nonsense): predicted to result in a loss or disruption of normal protein function through protein truncation. The predicted truncated protein may be shortened by more than 10%. The variant has been reported to be associated with FLG-related disorder (ClinVar ID: VCV000225361 /PMID: 21923666). Therefore, this variant is classified as Likely pathogenic according to the recommendation of ACMG/AMP guideline.

Soonchunhyang University Bucheon Hospital, Soonchunhyang University Medical Center
Classification: Pathogenic for Ichthyosis vulgaris. Last evaluated: 2016-03-18. Review status: criteria provided, single submitter. Criteria: ACMG Guidelines, 2015. Collection method: reference population. Allele origin: germline. Observed: 2 variant alleles.

Juno Genomics, Hangzhou Juno Genomics, Inc
Classification: Likely pathogenic for Dermatitis, atopic, 2; Ichthyosis vulgaris. Review status: criteria provided, single submitter. Criteria: ACMG Guidelines, 2015. Collection method: clinical testing. Allele origin: germline.
Comment: Absent from controls (or at extremely low frequency if recessive) in Genome Aggregation Database.;Null variant in a gene where loss of function (LOF) is a known mechanism of disease.;The prevalence of the variant in affected individuals is significantly increased compared to the prevalence in controls.

Literature cited by the submitters: PubMed 21923666 (cited by 3billion and Soonchunhyang University Bucheon Hospital, Soonchunhyang University Medical Center); PubMed 22220561 (cited by Soonchunhyang University Bucheon Hospital, Soonchunhyang University Medical Center).